The following is an entry in ClinVar:

ClinVar aggregate classification (germline): Uncertain significance (1 of 4 stars; one submission).

Allele frequency attached by ClinVar (database versions not stated): gnomAD exomes below 0.00001 and 0.00001; gnomAD 0.00001; TOPMed 0.00002.
gnomAD v4.1: 4 of 1,567,588 alleles (0.00026%); highest among the groups gnomAD compares: Admixed American, 0.0018%; no homozygotes.

Submission:

Labcorp Genetics (formerly Invitae), Labcorp
Classification: Uncertain significance. Last evaluated: 2022-08-15. Review status: criteria provided, single submitter. Criteria: Invitae Variant Classification Sherloc (09022015). Collection method: clinical testing. Allele origin: germline.
Comment: ClinVar contains an entry for this variant (Variation ID: 665856). This missense change has been observed in individual(s) with clinical features of GDF1-related conditions (Invitae). This variant is present in population databases (no rsID available, gnomAD 0.004%). This sequence change replaces methionine, which is neutral and non-polar, with threonine, which is neutral and polar, at codon 62 of the GDF1 protein (p.Met62Thr). Algorithms developed to predict the effect of missense changes on protein structure and function are either unavailable or do not agree on the potential impact of this missense change (SIFT: "Deleterious"; PolyPhen-2: "Probably Damaging"; Align-GVGD: "Class C0"). In summary, the available evidence is currently insufficient to determine the role of this variant in disease. Therefore, it has been classified as a Variant of Uncertain Significance.

NM_001492.6(GDF1):c.185T>C (p.Met62Thr)

Genes: CERS1 (ceramide synthase 1; minus strand), GDF1 (growth differentiation factor 1; minus strand). Cytogenetic location: 19p13.11.
Variant type: single nucleotide variant.
Coding change: c.185T>C on transcript NM_001492.6 (MANE Select); coding-DNA position 185, T replaced by C.
Protein change: p.Met62Thr; replaces methionine 62 with threonine.
Molecular consequence: missense variant. On other transcripts: 3 prime UTR variant (2).
Genome position (GRCh38, 1-based): chr19:18,870,123, A>G on the plus strand (T>C on the coding strand, the complement: GDF1 is on the minus strand). VCF-style: chr19-18870123-A-G. GRCh37 (hg19) VCF-style: chr19-18980932-A-G.
Other names: c.*454T>C (NM_001387440.1, NM_021267.5); c.185T>C, p.Met62Thr (NM_001387438.1); short protein forms M62T.
Identifiers: ClinVar variation 665856 (VCV000665856.6), dbSNP rs934696667, ClinGen allele CA306232667.